The following is an entry in ClinVar:

NM_031935.3(HMCN1):c.9928C>G (p.Leu3310Val)

Gene: HMCN1 (hemicentin 1; plus strand). Cytogenetic location: 1q31.1.
Variant type: single nucleotide variant.
Coding change: c.9928C>G on transcript NM_031935.3 (MANE Select); coding-DNA position 9928, C replaced by G.
Protein change: p.Leu3310Val; replaces leucine 3310 with valine.
Molecular consequence: missense variant.
Genome position (GRCh38, 1-based): chr1:186,093,174, C>G. VCF-style: chr1-186093174-C-G. GRCh37 (hg19) VCF-style: chr1-186062306-C-G.
Other names: short protein forms L3310V.
Identifiers: ClinVar variation 2984372 (VCV002984372.3), dbSNP rs768848014, ClinGen allele CA1293591.
Genomic context (GRCh38, chr1:186,093,174, plus strand): 5'-TGTTATGATCTTTTCCGTAGAGTGAGTGCAAATGGCAGCACATTAAACATTTATGGAGCT[C>G]TTACATCTGACACGGGGAAATACACATGTGTTGCTACTAATCCCGCTGGAGAAGAAGACC-3'
Protein context (NP_114141.2, residues 3300-3320): NGSTLNIYGA[Leu3310Val]TSDTGKYTCV

ClinVar aggregate classification (germline): Uncertain significance (1 of 4 stars; one submission).

Allele frequency attached by ClinVar (database versions not stated): gnomAD exomes 0.00001; ExAC 0.00002; TOPMed 0.00002.
gnomAD v4.1: 3 of 1,613,342 alleles (0.00019%); highest among the groups gnomAD compares: Admixed American, 0.005%; no homozygotes.

Submission:

Labcorp Genetics (formerly Invitae), Labcorp
Classification: Uncertain significance. Last evaluated: 2025-10-22. Review status: criteria provided, single submitter. Criteria: Invitae Variant Classification Sherloc (09022015). Collection method: clinical testing. Allele origin: germline.
Comment: This sequence change replaces leucine, which is neutral and non-polar, with valine, which is neutral and non-polar, at codon 3310 of the HMCN1 protein (p.Leu3310Val). This variant is present in population databases (rs768848014, gnomAD 0.009%). This variant has not been reported in the literature in individuals affected with HMCN1-related conditions. ClinVar contains an entry for this variant (Variation ID: 2984372). An algorithm developed to predict the effect of missense changes on protein structure and function (PolyPhen-2) suggests that this variant is likely to be tolerated. In summary, the available evidence is currently insufficient to determine the role of this variant in disease. Therefore, it has been classified as a Variant of Uncertain Significance.